The following is an entry in ClinVar:

NM_021076.4(NEFH):c.292A>G (p.Lys98Glu)

Gene: NEFH (neurofilament heavy chain; plus strand). Cytogenetic location: 22q12.2.
Variant type: single nucleotide variant.
Coding change: c.292A>G on transcript NM_021076.4 (MANE Select); coding-DNA position 292, A replaced by G.
Protein change: p.Lys98Glu; replaces lysine 98 with glutamic acid.
Molecular consequence: missense variant.
Genome position (GRCh38, 1-based): chr22:29,480,554, A>G. VCF-style: chr22-29480554-A-G. GRCh37 (hg19) VCF-style: chr22-29876543-A-G.
Other names: short protein forms K98E.
Identifiers: ClinVar variation 2834386 (VCV002834386.3), dbSNP rs2517968474, ClinGen allele CA411122469.

ClinVar aggregate classification (germline): Uncertain significance (1 of 4 stars; one submission).

Allele frequency attached by ClinVar (database versions not stated): gnomAD exomes below 0.00001.
gnomAD v4.1: 4 of 1,541,330 alleles (0.00026%); highest among the groups gnomAD compares: Non-Finnish European, 0.00035%; no homozygotes.

Submission:

Labcorp Genetics (formerly Invitae), Labcorp
Classification: Uncertain significance. Last evaluated: 2023-02-04. Review status: criteria provided, single submitter. Criteria: Invitae Variant Classification Sherloc (09022015). Collection method: clinical testing. Allele origin: germline.
Comment: In summary, the available evidence is currently insufficient to determine the role of this variant in disease. Therefore, it has been classified as a Variant of Uncertain Significance. Advanced modeling of protein sequence and biophysical properties (such as structural, functional, and spatial information, amino acid conservation, physicochemical variation, residue mobility, and thermodynamic stability) performed at Invitae indicates that this missense variant is expected to disrupt NEFH protein function. This variant has not been reported in the literature in individuals affected with NEFH-related conditions. This variant is not present in population databases (gnomAD no frequency). This sequence change replaces lysine, which is basic and polar, with glutamic acid, which is acidic and polar, at codon 98 of the NEFH protein (p.Lys98Glu).